The following is an entry in ClinVar:

NM_014727.3(KMT2B):c.3343C>G (p.Leu1115Val)

Gene: KMT2B (lysine methyltransferase 2B; plus strand). Cytogenetic location: 19q13.12.
Variant type: single nucleotide variant.
Coding change: c.3343C>G on transcript NM_014727.3 (MANE Select); coding-DNA position 3343, C replaced by G.
Protein change: p.Leu1115Val; replaces leucine 1115 with valine.
Molecular consequence: missense variant.
Genome position (GRCh38, 1-based): chr19:35,724,645, C>G. VCF-style: chr19-35724645-C-G. GRCh37 (hg19) VCF-style: chr19-36215546-C-G.
Other names: short protein forms L1115V.
Identifiers: ClinVar variation 3630640 (VCV003630640.2).

ClinVar aggregate classification (germline): Uncertain significance (1 of 4 stars; one submission).

gnomAD v4.1: 2 of 1,597,658 alleles (0.00013%); highest among the groups gnomAD compares: Non-Finnish European, 0.00017%; no homozygotes.

Submission:

Labcorp Genetics (formerly Invitae), Labcorp
Classification: Uncertain significance. Last evaluated: 2024-06-26. Review status: criteria provided, single submitter. Criteria: Invitae Variant Classification Sherloc (09022015). Collection method: clinical testing. Allele origin: germline.
Comment: This sequence change replaces leucine, which is neutral and non-polar, with valine, which is neutral and non-polar, at codon 1115 of the KMT2B protein (p.Leu1115Val). This variant is not present in population databases (gnomAD no frequency). This variant has not been reported in the literature in individuals affected with KMT2B-related conditions. Advanced modeling of protein sequence and biophysical properties (such as structural, functional, and spatial information, amino acid conservation, physicochemical variation, residue mobility, and thermodynamic stability) performed at Invitae indicates that this missense variant is not expected to disrupt KMT2B protein function with a negative predictive value of 80%. In summary, the available evidence is currently insufficient to determine the role of this variant in disease. Therefore, it has been classified as a Variant of Uncertain Significance.